The following is an entry in ClinVar:

NM_004316.4(ASCL1):c.151CAG[4] (p.Gln55_Gln62del)

Genes: ASCL1 (achaete-scute family bHLH transcription factor 1; plus strand), PAH (phenylalanine hydroxylase; minus strand). Cytogenetic location: 12q23.2.
Variant type: Microsatellite.
Coding change: c.151CAG[4] on transcript NM_004316.4 (MANE Select); four copies in a row of the 3-base unit CAG starting at c.151; the reference has 12 copies in a row; eight copies, 24 bases deleted.
Protein change: p.Gln55_Gln62del.
Molecular consequence: inframe deletion. On other transcripts: 5 prime UTR variant (1).
Genome position (GRCh38, 1-based): chr12:102,958,407-102,958,430, CAGCAGCAGCAGCAGCAGCAGCAG deleted; deleting any 24 consecutive bases within chr12:102,958,394-102,958,430 gives the same sequence; the position shown is the placement nearest the transcript's 3' end. VCF-style (leftmost placement, unchanged base first): chr12-102958393-CGCAGCAGCAGCAGCAGCAGCAGCA-C. GRCh37 (hg19) VCF-style: chr12-103352171-CGCAGCAGCAGCAGCAGCAGCAGCA-C.
Other names: c.-330TGC[4] (NM_001354304.2).
Identifiers: ClinVar variation 597419 (VCV000597419.8), dbSNP rs3832799, ClinGen allele CA682842870.

ClinVar aggregate classification (germline): Likely benign. Review status: criteria provided, single submitter (1 of 4 stars). 2 submissions from 2 submitters: Likely benign (1). 1 of the submissions does not count toward it. Last evaluated 2018-06-14.

Conditions:
ASCL1-related disorder. Also called: ASCL1-related condition.

Submissions (2):

Eurofins Ntd Llc (ga)
Classification: Likely benign. Last evaluated: 2018-06-14. Review status: criteria provided, single submitter. Criteria: EGL ClinVar v180209 classification definitions. Collection method: clinical testing. Allele origin: germline. Observed: 1 variant allele, 1 heterozygote.

PreventionGenetics, part of Exact Sciences
Classification: Likely benign for ASCL1-related condition. Last evaluated: 2024-08-30. Review status: no assertion criteria provided. Collection method: clinical testing. Allele origin: germline. Not counted in ClinVar's aggregate classification.
Comment: This variant is classified as likely benign based on ACMG/AMP sequence variant interpretation guidelines (Richards et al. 2015 PMID: 25741868, with internal and published modifications).